The following is an entry in ClinVar:

NM_004364.5(CEBPA):c.799G>A (p.Gly267Ser)

Gene: CEBPA (CCAAT enhancer binding protein alpha; minus strand). Cytogenetic location: 19q13.11.
Variant type: single nucleotide variant.
Coding change: c.799G>A on transcript NM_004364.5 (MANE Select); coding-DNA position 799, G replaced by A.
Protein change: p.Gly267Ser; replaces glycine 267 with serine.
Molecular consequence: missense variant.
Genome position (GRCh38, 1-based): chr19:33,301,616, C>T on the plus strand (G>A on the coding strand, the complement: CEBPA is on the minus strand). VCF-style: chr19-33301616-C-T. GRCh37 (hg19) VCF-style: chr19-33792522-C-T.
Other names: c.442G>A, p.Gly148Ser (NM_001285829.2); c.904G>A, p.Gly302Ser (NM_001287424.2); c.757G>A, p.Gly253Ser (NM_001287435.2); short protein forms G148S, G253S, G267S, G302S.
Identifiers: ClinVar variation 2506827 (VCV002506827.5), dbSNP rs749657088, ClinGen allele CA9363690.

ClinVar aggregate classification (germline): Uncertain significance. Review status: criteria provided, multiple submitters, no conflicts (2 of 4 stars). 3 submissions from 3 submitters: Uncertain significance (3). Last evaluated 2025-01-02.

Conditions:
Acute myeloid leukemia (AML). Also called: Acute myeloid leukemia, adult; AML adult; Acute non-lymphocytic leukemia; Acute granulocytic leukemia; Leukemia, acute myeloid, somatic; Leukemia, acute myelogenous, somatic. Identifiers: Orphanet 519, MedGen C0023467, MeSH D015470, MONDO:0018874, OMIM 601626, HP:0004808. Disease mechanism: Constitutively activated FLT3.
Inborn genetic diseases. Identifiers: MedGen C0950123, MeSH D030342.

Allele frequency attached by ClinVar (database versions not stated): gnomAD 0.00001; ExAC 0.00002.

Submissions (3):

Ambry Genetics
Classification: Uncertain significance for Inborn genetic diseases. Last evaluated: 2025-01-02. Review status: criteria provided, single submitter. Criteria: Ambry Variant Classification Scheme 2023. Collection method: clinical testing. Allele origin: germline.
Comment: The p.G267S variant (also known as c.799G>A), located in coding exon 1 of the CEBPA gene, results from a G to A substitution at nucleotide position 799. The glycine at codon 267 is replaced by serine, an amino acid with similar properties. This amino acid position is conserved. In addition, this alteration is predicted to be tolerated by in silico analysis. Based on the available evidence, the clinical significance of this variant remains unclear.

Labcorp Genetics (formerly Invitae), Labcorp
Classification: Uncertain significance for Acute myeloid leukemia. Last evaluated: 2023-10-23. Review status: criteria provided, single submitter. Criteria: Invitae Variant Classification Sherloc (09022015). Collection method: clinical testing. Allele origin: germline.
Comment: This sequence change replaces glycine, which is neutral and non-polar, with serine, which is neutral and polar, at codon 267 of the CEBPA protein (p.Gly267Ser). This variant is present in population databases (rs749657088, gnomAD 0.002%). This variant has not been reported in the literature in individuals affected with CEBPA-related conditions. ClinVar contains an entry for this variant (Variation ID: 2506827). Advanced modeling of protein sequence and biophysical properties (such as structural, functional, and spatial information, amino acid conservation, physicochemical variation, residue mobility, and thermodynamic stability) performed at Invitae indicates that this missense variant is not expected to disrupt CEBPA protein function. In summary, the available evidence is currently insufficient to determine the role of this variant in disease. Therefore, it has been classified as a Variant of Uncertain Significance.

GeneDx
Classification: Uncertain significance. Last evaluated: 2022-12-21. Review status: criteria provided, single submitter. Criteria: GeneDx Variant Classification Process June 2021. Collection method: clinical testing. Allele origin: germline. Affected: yes.
Comment: Not observed at significant frequency in large population cohorts (gnomAD); In silico analysis supports that this missense variant does not alter protein structure/function; Has not been previously published as pathogenic or benign to our knowledge